The following is an entry in ClinVar:

NM_001080449.3(DNA2):c.647C>T (p.Ser216Leu)

Gene: DNA2 (DNA replication helicase/nuclease 2; minus strand). Cytogenetic location: 10q21.3.
Variant type: single nucleotide variant.
Coding change: c.647C>T on transcript NM_001080449.3 (MANE Select); coding-DNA position 647, C replaced by T.
Protein change: p.Ser216Leu; replaces serine 216 with leucine.
Molecular consequence: missense variant. On other transcripts: non-coding transcript variant (1).
Genome position (GRCh38, 1-based): chr10:68,459,176, G>A on the plus strand (C>T on the coding strand, the complement: DNA2 is on the minus strand). VCF-style: chr10-68459176-G-A. GRCh37 (hg19) VCF-style: chr10-70218933-G-A.
Other names: c.647C>T (NM_001080449.2); short protein forms S216L.
Identifiers: ClinVar variation 2170125 (VCV002170125.5), dbSNP rs181526568, ClinGen allele CA5525250.

ClinVar aggregate classification (germline): Uncertain significance. Review status: criteria provided, multiple submitters, no conflicts (2 of 4 stars). 2 submissions from 2 submitters: Uncertain significance (2). Last evaluated 2025-08-12.

Conditions:
Inborn genetic diseases. Identifiers: MedGen C0950123, MeSH D030342.

Allele frequency attached by ClinVar (database versions not stated): gnomAD 0.00001; TOPMed 0.00001; ExAC 0.00003; 1000 Genomes Project 0.00020; 1000 Genomes Project 30x 0.00031.
gnomAD v4.1: 12 of 1,583,140 alleles (0.00076%); highest among the groups gnomAD compares: Admixed American, 0.0091%; no homozygotes.

Submissions (2):

Labcorp Genetics (formerly Invitae), Labcorp
Classification: Uncertain significance. Last evaluated: 2025-08-12. Review status: criteria provided, single submitter. Criteria: Invitae Variant Classification Sherloc (09022015). Collection method: clinical testing. Allele origin: germline.
Comment: This sequence change replaces serine, which is neutral and polar, with leucine, which is neutral and non-polar, at codon 216 of the DNA2 protein (p.Ser216Leu). The frequency data for this variant in the population databases is considered unreliable, as metrics indicate poor data quality at this position in the gnomAD database. This variant has not been reported in the literature in individuals affected with DNA2-related conditions. ClinVar contains an entry for this variant (Variation ID: 2170125). Invitae Evidence Modeling of protein sequence and biophysical properties (such as structural, functional, and spatial information, amino acid conservation, physicochemical variation, residue mobility, and thermodynamic stability) indicates that this missense variant is not expected to disrupt DNA2 protein function with a negative predictive value of 80%. In summary, the available evidence is currently insufficient to determine the role of this variant in disease. Therefore, it has been classified as a Variant of Uncertain Significance.

Ambry Genetics
Classification: Uncertain significance for Inborn genetic diseases. Last evaluated: 2025-02-24. Review status: criteria provided, single submitter. Criteria: Ambry Variant Classification Scheme 2023. Collection method: clinical testing. Allele origin: germline.